The following is an entry in ClinVar:

NM_002098.6(GUCA1B):c.*997C>T

Gene: GUCA1B (guanylate cyclase activator 1B; minus strand). Cytogenetic location: 6p21.1.
Variant type: single nucleotide variant.
Coding change: c.*997C>T on transcript NM_002098.6 (MANE Select); 997 bases downstream of the stop codon, C replaced by T.
Molecular consequence: 3 prime UTR variant.
Genome position (GRCh38, 1-based): chr6:42,183,818, G>A on the plus strand (C>T on the coding strand, the complement: GUCA1B is on the minus strand). VCF-style: chr6-42183818-G-A. GRCh37 (hg19) VCF-style: chr6-42151556-G-A.
Identifiers: ClinVar variation 356706 (VCV000356706.5), dbSNP rs114197333, ClinGen allele CA10623885.
Genomic context (GRCh38, chr6:42,183,818, plus strand): 5'-ATTCAGCTTATGGCTGGGAGTTGTGGAAGGTCCATACTGGGGGATATGGATGGAAAGAGA[G>A]GATTGTTGGGGGAGTGGTGGGTTGGCAGCAGGGGGTCCCAGAGCAGCACCCAGGCAGAGC-3'

ClinVar aggregate classification (germline): Benign (1 of 4 stars; one submission).

Conditions:
Retinitis pigmentosa (RP). Identifiers: Orphanet 791, MedGen C0035334, MeSH D012174, MONDO:0019200, OMIM 268000. Inheritance: Autosomal dominant, autosomal recessive and X linked inheritance.

Allele frequency attached by ClinVar (database versions not stated): gnomAD 0.00380 and 0.00405; TOPMed 0.00404; 1000 Genomes Project 0.00419; 1000 Genomes Project 30x 0.00437.
gnomAD v4.1: 572 of 152,314 alleles (0.38%); highest among the groups gnomAD compares: African/African-American, 1.3%; 4 homozygotes.

Submission:

Illumina Laboratory Services, Illumina
Classification: Benign for Retinitis pigmentosa. Last evaluated: 2018-01-12. Review status: criteria provided, single submitter. Criteria: ICSL Variant Classification Criteria 13 December 2019. Collection method: clinical testing. Allele origin: germline.
Comment: This variant was observed in the ICSL laboratory as part of a predisposition screen in an ostensibly healthy population. It had not been previously curated by ICSL or reported in the Human Gene Mutation Database (HGMD: prior to June 1st, 2018), and was therefore a candidate for classification through an automated scoring system. Utilizing variant allele frequency, disease prevalence and penetrance estimates, and inheritance mode, an automated score was calculated to assess if this variant is too frequent to cause the disease. Based on the score and internal cut-off values, a variant classified as benign is not then subjected to further curation. The score for this variant resulted in a classification of benign for this disease.